The following is an entry in ClinVar:

NM_014738.6(TMEM94):c.204G>A (p.Pro68=)

Gene: TMEM94 (transmembrane protein 94; plus strand). Cytogenetic location: 17q25.1.
Variant type: single nucleotide variant.
Coding change: c.204G>A on transcript NM_014738.6 (MANE Select); coding-DNA position 204, G replaced by A.
Protein change: p.Pro68=; no amino-acid change (proline 68 retained).
Molecular consequence: synonymous variant.
Genome position (GRCh38, 1-based): chr17:75,485,930, G>A. VCF-style: chr17-75485930-G-A. GRCh37 (hg19) VCF-style: chr17-73482011-G-A.
Other names: c.234G>A, p.Pro78= (NM_001321148.2, NM_001351203.2); c.204G>A, p.Pro68= (NM_001321149.2, NM_001351202.2).
Identifiers: ClinVar variation 2648252 (VCV002648252.24), dbSNP rs755670959, ClinGen allele CA8761363.

ClinVar aggregate classification (germline): Likely benign (1 of 4 stars; one submission).

Allele frequency attached by ClinVar (database versions not stated): gnomAD exomes 0.00001; ExAC 0.00002; TOPMed 0.00003.
gnomAD v4.1: 19 of 1,613,548 alleles (0.0012%); highest among the groups gnomAD compares: Middle Eastern, 0.017%; no homozygotes.

Submission:

CeGaT Center for Human Genetics Tuebingen
Classification: Likely benign. Last evaluated: 2023-05-01. Review status: criteria provided, single submitter. Criteria: CeGaT Center For Human Genetics Tuebingen Variant Classification Criteria Version 2. Collection method: clinical testing. Allele origin: germline. Affected: yes. Observed: 1 variant allele.
Comment: TMEM94: BP4, BP7